The following is an entry in ClinVar:

NM_002204.4(ITGA3):c.1769C>G (p.Ser590Cys)

Gene: ITGA3 (integrin subunit alpha 3; plus strand). Cytogenetic location: 17q21.33.
Variant type: single nucleotide variant.
Coding change: c.1769C>G on transcript NM_002204.4 (MANE Select); coding-DNA position 1769, C replaced by G.
Protein change: p.Ser590Cys; replaces serine 590 with cysteine.
Molecular consequence: missense variant.
Genome position (GRCh38, 1-based): chr17:50,076,420, C>G. VCF-style: chr17-50076420-C-G. GRCh37 (hg19) VCF-style: chr17-48153784-C-G.
Other names: short protein forms S590C.
Identifiers: ClinVar variation 2067093 (VCV002067093.4), dbSNP rs2508943802, ClinGen allele CA400182714.

ClinVar aggregate classification (germline): Uncertain significance (1 of 4 stars; one submission).

Submission:

Labcorp Genetics (formerly Invitae), Labcorp
Classification: Uncertain significance. Last evaluated: 2022-02-11. Review status: criteria provided, single submitter. Criteria: Invitae Variant Classification Sherloc (09022015). Collection method: clinical testing. Allele origin: germline.
Comment: In summary, the available evidence is currently insufficient to determine the role of this variant in disease. Therefore, it has been classified as a Variant of Uncertain Significance. This sequence change replaces serine, which is neutral and polar, with cysteine, which is neutral and slightly polar, at codon 590 of the ITGA3 protein (p.Ser590Cys). This variant is not present in population databases (gnomAD no frequency). This variant has not been reported in the literature in individuals affected with ITGA3-related conditions. Algorithms developed to predict the effect of missense changes on protein structure and function are either unavailable or do not agree on the potential impact of this missense change (SIFT: "Deleterious"; PolyPhen-2: "Probably Damaging"; Align-GVGD: "Class C0").